The following is an entry in ClinVar:

ClinVar aggregate classification (germline): Pathogenic (1 of 4 stars; one submission).

Conditions:
Retinoblastoma (RB1). Also called: RETINOBLASTOMA, SOMATIC. Identifiers: Orphanet 790, MedGen C0035335, MeSH D012175, MONDO:0008380, OMIM 180200, HP:0009919. Disease mechanism: loss of function. Inheritance: Both sporadic and heritable forms are tested..

Submission:

St. Jude Molecular Pathology, St. Jude Children's Research Hospital
Classification: Pathogenic for Retinoblastoma. Last evaluated: 2026-10-01. Review status: criteria provided, single submitter. Criteria: St. Jude Assertion Criteria 2020. Collection method: clinical testing. Allele origin: germline.
Comment: The RB1 c.970del p.(Ile324PhefsTer8) change deletes one nucleotide to cause a frameshift and the creation of a premature stop codon. Thi s change is predicted to cause protein truncation or absence of protein due to nonsense-mediated decay. This variant is also absent in gnomAD v2.1.1. In summary, this va riant meets criteria to be classified as pathogenic.

NM_000321.3(RB1):c.970del (p.Ile324fs)

Gene: RB1 (RB transcriptional corepressor 1; plus strand). Cytogenetic location: 13q14.2.
Variant type: Deletion.
Coding change: c.970del on transcript NM_000321.3 (MANE Select); coding-DNA position 970, one base deleted (A; older notation c.970delA).
Protein change: p.Ile324fs; shifts the reading frame from isoleucine 324.
Molecular consequence: frameshift variant.
Genome position (GRCh38, 1-based): chr13:48,367,524, A deleted; the last of 3 consecutive A bases (chr13:48,367,522-48,367,524); deleting any one gives the same sequence. VCF-style (leftmost placement, unchanged base first): chr13-48367521-GA-G. GRCh37 (hg19) VCF-style: chr13-48941657-GA-G.
Other names: c.970delA, p.Ile324Phefs (NM_000321.2); c.970del, p.Ile324fs (NM_001407165.1, NM_001407166.1); short protein forms I324fs.
Identifiers: ClinVar variation 5038412 (VCV005038412.1).